The following is an entry in ClinVar:

ClinVar aggregate classification (germline): Uncertain significance (1 of 4 stars; one submission).

gnomAD v4.1: 4 of 1,613,816 alleles (0.00025%); highest among the groups gnomAD compares: Non-Finnish European, 0.00034%; no homozygotes.

Submission:

Labcorp Genetics (formerly Invitae), Labcorp
Classification: Uncertain significance. Last evaluated: 2025-04-24. Review status: criteria provided, single submitter. Criteria: Invitae Variant Classification Sherloc (09022015). Collection method: clinical testing. Allele origin: germline.
Comment: This sequence change replaces serine, which is neutral and polar, with phenylalanine, which is neutral and non-polar, at codon 2639 of the VCAN protein (p.Ser2639Phe). This variant is not present in population databases (gnomAD no frequency). This variant has not been reported in the literature in individuals affected with VCAN-related conditions. ClinVar contains an entry for this variant (Variation ID: 2016126). An algorithm developed to predict the effect of missense changes on protein structure and function (PolyPhen-2) suggests that this variant is likely to be disruptive. In summary, the available evidence is currently insufficient to determine the role of this variant in disease. Therefore, it has been classified as a Variant of Uncertain Significance.

NM_004385.5(VCAN):c.7916C>T (p.Ser2639Phe)

Genes: VCAN (versican; plus strand), VCAN-AS1 (VCAN antisense RNA 1; minus strand). Cytogenetic location: 5q14.3.
Variant type: single nucleotide variant.
Coding change: c.7916C>T on transcript NM_004385.5 (MANE Select); coding-DNA position 7916, C replaced by T.
Protein change: p.Ser2639Phe; replaces serine 2639 with phenylalanine.
Molecular consequence: missense variant. On other transcripts: intron variant (2).
Genome position (GRCh38, 1-based): chr5:83,540,919, C>T. VCF-style: chr5-83540919-C-T. GRCh37 (hg19) VCF-style: chr5-82836738-C-T.
Other names: c.4955C>T, p.Ser1652Phe (NM_001164097.2); c.4004-4618C>T (NM_001164098.2); c.1043-4618C>T (NM_001126336.3); short protein forms S1652F, S2639F.
Identifiers: ClinVar variation 2016126 (VCV002016126.4), dbSNP rs774772193, ClinGen allele CA121811399.